The following is an entry in ClinVar:

NM_001453.3(FOXC1):c.935A>T (p.Asn312Ile)

Gene: FOXC1 (forkhead box C1; plus strand). Cytogenetic location: 6p25.3.
Variant type: single nucleotide variant.
Coding change: c.935A>T on transcript NM_001453.3 (MANE Select); coding-DNA position 935, A replaced by T.
Protein change: p.Asn312Ile; replaces asparagine 312 with isoleucine.
Molecular consequence: missense variant.
Genome position (GRCh38, 1-based): chr6:1,611,380, A>T. VCF-style: chr6-1611380-A-T. GRCh37 (hg19) VCF-style: chr6-1611615-A-T.
Other names: short protein forms N312I.
Identifiers: ClinVar variation 3650155 (VCV003650155.2).

ClinVar aggregate classification (germline): Uncertain significance (1 of 4 stars; one submission).

Conditions:
Axenfeld-Rieger syndrome type 3 (RIEG3). Also called: AXENFELD-RIEGER ANOMALY WITH CARDIAC DEFECTS AND/OR SENSORINEURAL HEARING LOSS. Identifiers: Orphanet 782, MedGen C2678503, MONDO:0011233, OMIM 602482.

gnomAD v4.1: 1 of 1,448,928 alleles (0.000069%); highest among the groups gnomAD compares: East Asian, 0.0032%; no homozygotes.

Submission:

Labcorp Genetics (formerly Invitae), Labcorp
Classification: Uncertain significance for Axenfeld-Rieger syndrome type 3. Last evaluated: 2024-04-16. Review status: criteria provided, single submitter. Criteria: Invitae Variant Classification Sherloc (09022015). Collection method: clinical testing. Allele origin: germline.
Comment: This sequence change replaces asparagine, which is neutral and polar, with isoleucine, which is neutral and non-polar, at codon 312 of the FOXC1 protein (p.Asn312Ile). This variant is not present in population databases (gnomAD no frequency). This variant has not been reported in the literature in individuals affected with FOXC1-related conditions. An algorithm developed to predict the effect of missense changes on protein structure and function (PolyPhen-2) suggests that this variant is likely to be disruptive. In summary, the available evidence is currently insufficient to determine the role of this variant in disease. Therefore, it has been classified as a Variant of Uncertain Significance.